The following is an entry in ClinVar:

NM_002010.3(FGF9):c.440C>T (p.Thr147Met)

Gene: FGF9 (fibroblast growth factor 9; plus strand). Cytogenetic location: 13q12.11.
Variant type: single nucleotide variant.
Coding change: c.440C>T on transcript NM_002010.3 (MANE Select); coding-DNA position 440, C replaced by T.
Protein change: p.Thr147Met; replaces threonine 147 with methionine.
Molecular consequence: missense variant.
Genome position (GRCh38, 1-based): chr13:21,701,248, C>T. VCF-style: chr13-21701248-C-T. GRCh37 (hg19) VCF-style: chr13-22275387-C-T.
Other names: short protein forms T147M.
Identifiers: ClinVar variation 2859823 (VCV002859823.3), dbSNP rs963305629, ClinGen allele CA246855120.

ClinVar aggregate classification (germline): Uncertain significance (1 of 4 stars; one submission).

Allele frequency attached by ClinVar (database versions not stated): TOPMed below 0.00001; gnomAD 0.00001; gnomAD exomes below 0.00001.
gnomAD v4.1: 3 of 1,613,260 alleles (0.00019%); highest among the groups gnomAD compares: Non-Finnish European, 0.00025%; no homozygotes.

Submission:

Labcorp Genetics (formerly Invitae), Labcorp
Classification: Uncertain significance. Last evaluated: 2025-03-31. Review status: criteria provided, single submitter. Criteria: Invitae Variant Classification Sherloc (09022015). Collection method: clinical testing. Allele origin: germline.
Comment: This sequence change replaces threonine, which is neutral and polar, with methionine, which is neutral and non-polar, at codon 147 of the FGF9 protein (p.Thr147Met). This variant is not present in population databases (gnomAD no frequency). This variant has not been reported in the literature in individuals affected with FGF9-related conditions. ClinVar contains an entry for this variant (Variation ID: 2859823). An algorithm developed to predict the effect of missense changes on protein structure and function (PolyPhen-2) suggests that this variant is likely to be disruptive. In summary, the available evidence is currently insufficient to determine the role of this variant in disease. Therefore, it has been classified as a Variant of Uncertain Significance.